The following is an entry in ClinVar:

NM_014874.4(MFN2):c.1946G>C (p.Arg649Pro)

Gene: MFN2 (mitofusin 2; plus strand). Cytogenetic location: 1p36.22.
Variant type: single nucleotide variant.
Coding change: c.1946G>C on transcript NM_014874.4 (MANE Select); coding-DNA position 1946, G replaced by C.
Protein change: p.Arg649Pro; replaces arginine 649 with proline.
Molecular consequence: missense variant.
Genome position (GRCh38, 1-based): chr1:12,007,126, G>C. VCF-style: chr1-12007126-G-C. GRCh37 (hg19) VCF-style: chr1-12067183-G-C.
Other names: c.1946G>C, p.Arg649Pro (NM_001127660.2); short protein forms R649P.
Identifiers: ClinVar variation 243067 (VCV000243067.1), dbSNP rs763492075, ClinGen allele CA10584075.

ClinVar aggregate classification (germline): Likely pathogenic (1 of 4 stars; one submission).

Conditions:
Charcot-Marie-Tooth disease type 2A2. Also called: HEREDITARY MOTOR AND SENSORY NEUROPATHY IIA2; HMSN IIA2; Charcot-Marie-Tooth Neuropathy Type 2A2; CHARCOT-MARIE-TOOTH DISEASE, NEURONAL, TYPE 2A2; CHARCOT-MARIE-TOOTH DISEASE, AXONAL, AUTOSOMAL DOMINANT, TYPE 2A2A; CHARCOT-MARIE-TOOTH DISEASE, AXONAL, TYPE 2A2. Identifiers: Orphanet 99947, MedGen C4721887, MONDO:0012231, OMIM 609260.

Submission:

Lupski Lab, Baylor-Hopkins CMG, Baylor College of Medicine
Classification: Likely pathogenic for Charcot-Marie-Tooth disease type 2A2. Last evaluated: 2015-08-18. Review status: criteria provided, single submitter. Criteria: Gonzaga-Jauregui et al. (Cell Rep. 2015). Collection method: research. Allele origin: germline. Inheritance: Autosomal dominant inheritance. Affected: yes. Observed: 1 variant allele, 1 heterozygote.
Comment: This variant affects a highly conserved residue in MFN2 and is predicted damaging by MutationTaster, SIFT, Polyphen.